The following is an entry in ClinVar:

NM_000255.4(MMUT):c.763A>T (p.Lys255Ter)

Gene: MMUT (methylmalonyl-CoA mutase; minus strand). Cytogenetic location: 6p12.3.
Variant type: single nucleotide variant.
Coding change: c.763A>T on transcript NM_000255.4 (MANE Select); coding-DNA position 763, A replaced by T.
Protein change: p.Lys255Ter; replaces lysine 255 with a stop codon.
Molecular consequence: nonsense.
Genome position (GRCh38, 1-based): chr6:49,456,228, T>A on the plus strand (A>T on the coding strand, the complement: MMUT is on the minus strand). VCF-style: chr6-49456228-T-A. GRCh37 (hg19) VCF-style: chr6-49423941-T-A.
Other names: short protein forms K255*.
Identifiers: ClinVar variation 1725596 (VCV001725596.2), dbSNP rs2481343980, ClinGen allele CA364402705.

ClinVar aggregate classification (germline): Likely pathogenic (1 of 4 stars; one submission).

Conditions:
Methylmalonic aciduria due to methylmalonyl-CoA mutase deficiency (MAMM). Also called: Methylmalonic aciduria, mut type. Identifiers: Orphanet 27, MedGen C1855114, MONDO:0009612, OMIM 251000.

Submission:

Myriad Genetics, Inc.
Classification: Likely pathogenic for Methylmalonic aciduria due to methylmalonyl-CoA mutase deficiency. Last evaluated: 2022-03-30. Review status: criteria provided, single submitter. Criteria: Myriad Women's Health Autosomal Recessive and X-Linked Classification Criteria (2021). Collection method: clinical testing. Allele origin: unknown.
Comment: NM_000255.3(MMUT):c.763A>T(K255*) is expected to be pathogenic in the context of methylmalonic acidemia, MMUT-related. This variant is predicted to lead to an abnormal or absent protein product due to the creation of a premature termination codon in MMUT, a gene where loss-of-function variants are known to be pathogenic. Please note: this variant was assessed in the context of healthy population screening.